The following is an entry in ClinVar:

NM_013339.4(ALG6):c.1013T>A (p.Leu338Ter)

Gene: ALG6 (ALG6 alpha-1,3-glucosyltransferase; plus strand). Cytogenetic location: 1p31.3.
Variant type: single nucleotide variant.
Coding change: c.1013T>A on transcript NM_013339.4 (MANE Select); coding-DNA position 1013, T replaced by A.
Protein change: p.Leu338Ter; replaces leucine 338 with a stop codon.
Molecular consequence: nonsense.
Genome position (GRCh38, 1-based): chr1:63,419,395, T>A. VCF-style: chr1-63419395-T-A. GRCh37 (hg19) VCF-style: chr1-63885066-T-A.
Other names: short protein forms L338*.
Identifiers: ClinVar variation 1725769 (VCV001725769.2), dbSNP rs2523768354, ClinGen allele CA340637905.
Genomic context (GRCh38, chr1:63,419,395, plus strand): 5'-TGTTATATCTCATTTCCCCCCCTTTTTTCTTAAAGGTTAGCTGTGCGCTATCATTCTTTT[T>A]ATTTTCTTTCCAAGTACATGAAAAATCCATTCTCTTGGTGTCACTGTAAGTAGAAACATT-3'

ClinVar aggregate classification (germline): Likely pathogenic (1 of 4 stars; one submission).

Conditions:
ALG6-congenital disorder of glycosylation 1C (CDG1C). Also called: CARBOHYDRATE-DEFICIENT GLYCOPROTEIN SYNDROME, TYPE I, WITH DEFICIENT GLYCOSYLATION OF DOLICHOL-LINKED OLIGOSACCHARIDE; CARBOHYDRATE-DEFICIENT GLYCOPROTEIN SYNDROME, TYPE V; Congenital disorder of glycosylation type 1C; CDG Ic; Congenital disorder of glycosylation, type Ic. Identifiers: Orphanet 79320, MedGen C2930997, MONDO:0011291, OMIM 603147.

Submission:

Myriad Genetics, Inc.
Classification: Likely pathogenic for ALG6-congenital disorder of glycosylation 1C. Last evaluated: 2022-03-31. Review status: criteria provided, single submitter. Criteria: Myriad Women's Health Autosomal Recessive and X-Linked Classification Criteria (2021). Collection method: clinical testing. Allele origin: unknown.
Comment: NM_013339.3(ALG6):c.1013T>A(L338*) is expected to be pathogenic in the context of congenital disorder of glycosylation type Ic. This variant is predicted to lead to an abnormal or absent protein product due to the creation of a premature termination codon in ALG6, a gene where loss-of-function variants are known to be pathogenic. Please note: this variant was assessed in the context of healthy population screening.